The following is an entry in ClinVar:

NM_001289104.2(PRKCSH):c.215dup (p.Asn72fs)

Gene: PRKCSH (PRKCSH beta subunit of glucosidase II; plus strand). Cytogenetic location: 19p13.2.
Variant type: Duplication.
Coding change: c.215dup on transcript NM_001289104.2 (MANE Select); coding-DNA position 215, one base duplicated (A; older notation c.215dupA).
Protein change: p.Asn72fs; shifts the reading frame from asparagine 72.
Molecular consequence: frameshift variant.
Genome position (GRCh38, 1-based): chr19:11,437,894, A duplicated; the last of 2 consecutive A bases (chr19:11,437,893-11,437,894); duplicating either gives the same sequence. VCF-style (leftmost placement, unchanged base first): chr19-11437892-T-TA. GRCh37 (hg19) VCF-style: chr19-11548713-T-TA.
Other names: c.215dup, p.Asn72fs (NM_001001329.3, NM_001289102.2, NM_001289103.2 and 3 more transcripts); short protein forms N72fs.
Identifiers: ClinVar variation 13243 (VCV000013243.2), dbSNP rs1555725707, ClinGen allele CA658684221.

ClinVar aggregate classification (germline): Pathogenic. Review status: criteria provided, single submitter (1 of 4 stars). 2 submissions from 2 submitters: Pathogenic (1). 1 of the submissions does not count toward it. Last evaluated 2025-04-23.

Conditions:
Polycystic liver disease 1 (PCLD1). Also called: Polycystic liver disease 1 with or without kidney cysts. Identifiers: Orphanet 2924, MedGen C0887850, MONDO:0008265, OMIM 174050.

Submissions (2):

Labcorp Genetics (formerly Invitae), Labcorp
Classification: Pathogenic. Last evaluated: 2025-04-23. Review status: criteria provided, single submitter. Criteria: Invitae Variant Classification Sherloc (09022015). Collection method: clinical testing. Allele origin: germline.
Comment: This sequence change creates a premature translational stop signal (p.Asn72Lysfs*12) in the PRKCSH gene. It is expected to result in an absent or disrupted protein product. Loss-of-function variants in PRKCSH are known to be pathogenic (PMID: 12529853, 12577059, 20095989). This variant is not present in population databases (gnomAD no frequency). This premature translational stop signal has been observed in individual(s) with polycystic liver disease (PMID: 12529853). This variant is also known as 216insA (N72Xfs84). ClinVar contains an entry for this variant (Variation ID: 13243). For these reasons, this variant has been classified as Pathogenic.

OMIM
Classification: Pathogenic for POLYCYSTIC LIVER DISEASE 1 WITHOUT KIDNEY CYSTS. Last evaluated: 2003-03-01. Review status: no assertion criteria provided. Collection method: literature only. Allele origin: germline. Not counted in ClinVar's aggregate classification.

Literature cited by the submitters: PubMed 12529853 (cited by Labcorp Genetics (formerly Invitae), Labcorp and OMIM); PubMed 12577059 (cited by Labcorp Genetics (formerly Invitae), Labcorp); PubMed 20095989 (cited by Labcorp Genetics (formerly Invitae), Labcorp).